The following is an entry in ClinVar:

NM_013275.6(ANKRD11):c.5052C>G (p.His1684Gln)

Gene: ANKRD11 (ankyrin repeat domain 11; minus strand). Cytogenetic location: 16q24.3.
Variant type: single nucleotide variant.
Coding change: c.5052C>G on transcript NM_013275.6 (MANE Select); coding-DNA position 5052, C replaced by G.
Protein change: p.His1684Gln; replaces histidine 1684 with glutamine.
Molecular consequence: missense variant.
Genome position (GRCh38, 1-based): chr16:89,281,490, G>C on the plus strand (C>G on the coding strand, the complement: ANKRD11 is on the minus strand). VCF-style: chr16-89281490-G-C. GRCh37 (hg19) VCF-style: chr16-89347898-G-C.
Other names: c.5052C>G, p.His1684Gln (NM_001256182.2, NM_001256183.2); short protein forms H1684Q.
Identifiers: ClinVar variation 4681552 (VCV004681552.5).

ClinVar aggregate classification (germline): Uncertain significance (1 of 4 stars; one submission).

gnomAD v4.1: 5 of 1,614,086 alleles (0.00031%); highest among the groups gnomAD compares: African/African-American, 0.0053%; no homozygotes.

Submission:

CeGaT Center for Human Genetics Tuebingen
Classification: Uncertain significance. Last evaluated: 2025-12-01. Review status: criteria provided, single submitter. Criteria: CeGaT Center For Human Genetics Tuebingen Variant Classification Criteria Version 2. Collection method: clinical testing. Allele origin: germline. Affected: yes. Observed: 1 variant allele.
Comment: ANKRD11: PM2, BP4